The following is an entry in ClinVar:

NM_170699.3(GPBAR1):c.980T>C (p.Leu327Pro)

Gene: GPBAR1 (G protein-coupled bile acid receptor 1; plus strand). Cytogenetic location: 2q35.
Variant type: single nucleotide variant.
Coding change: c.980T>C on transcript NM_170699.3 (MANE Select); coding-DNA position 980, T replaced by C.
Protein change: p.Leu327Pro; replaces leucine 327 with proline.
Molecular consequence: missense variant.
Genome position (GRCh38, 1-based): chr2:218,263,704, T>C. VCF-style: chr2-218263704-T-C. GRCh37 (hg19) VCF-style: chr2-219128427-T-C.
Other names: c.980T>C, p.Leu327Pro (NM_001077191.2, NM_001077194.2, NM_001321950.2); short protein forms L327P.
Identifiers: ClinVar variation 3051265 (VCV003051265.2), dbSNP rs201528234, ClinGen allele CA65740996.
Genomic context (GRCh38, chr2:218,263,704, plus strand): 5'-CCCGGGACAGTCCCGGCCCCAGCATTGCCTACCACCCAAGCAGCCAAAGCAGTGTCGACC[T>C]GGACTTGAACTAAAGGAAGGGCCTCTGCTGACTCCTACCAGAGCATCCGTCCAGCTCAGC-3'
Protein context (NP_733800.1, residues 317-330): YHPSSQSSVD[Leu327Pro]DLN

ClinVar aggregate classification (germline): Uncertain significance (0 of 4 stars; one submission).

Conditions:
GPBAR1-related disorder. Also called: GPBAR1-related condition.

Allele frequency attached by ClinVar (database versions not stated): gnomAD 0.00001; TOPMed 0.00001.

Submission:

PreventionGenetics, part of Exact Sciences
Classification: Uncertain significance for GPBAR1-related condition. Last evaluated: 2024-02-26. Review status: no assertion criteria provided. Collection method: clinical testing. Allele origin: germline.
Comment: The GPBAR1 c.980T>C variant is predicted to result in the amino acid substitution p.Leu327Pro. To our knowledge, this variant has not been reported in the literature. This variant is reported in 0.0036% of alleles in individuals of European (Non-Finnish) descent in gnomAD. At this time, the clinical significance of this variant is uncertain due to the absence of conclusive functional and genetic evidence.